The following is an entry in ClinVar:

ClinVar aggregate classification (germline): Conflicting classifications of pathogenicity. Review status: criteria provided, conflicting classifications (1 of 4 stars). 2 submissions from 2 submitters: Likely pathogenic (1); Uncertain significance (1). Last evaluated 2026-07-01.

Conditions:
Benign neonatal seizures. Also called: Benign familial neonatal seizures; Benign neonatal familial convulsions; Benign familial neonatal epilepsy; Convulsions benign familial neonatal dominant form; Autosomal dominant form of benign neonatal seizures. Identifiers: Orphanet 1949, MedGen C0220669, MONDO:0016027.

Submissions (2):

CeGaT Center for Human Genetics Tuebingen
Classification: Uncertain significance. Last evaluated: 2026-07-01. Review status: criteria provided, single submitter. Criteria: CeGaT Center For Human Genetics Tuebingen Variant Classification Criteria Version 2. Collection method: clinical testing. Allele origin: germline. Affected: yes. Observed: 1 variant allele.
Comment: KCNQ3: PM2, PVS1:Moderate

Labcorp Genetics (formerly Invitae), Labcorp
Classification: Likely pathogenic for Benign neonatal seizures. Last evaluated: 2020-09-28. Review status: criteria provided, single submitter. Criteria: Invitae Variant Classification Sherloc (09022015). Collection method: clinical testing. Allele origin: germline.
Comment: This sequence change affects an acceptor splice site in intron 6 of the KCNQ3 gene. It is expected to disrupt RNA splicing and likely results in an absent or disrupted protein product. This variant is not present in population databases (ExAC no frequency). This variant has not been reported in the literature in individuals with KCNQ3-related conditions. ClinVar contains an entry for this variant (Variation ID: 853233). Algorithms developed to predict the effect of sequence changes on RNA splicing suggest that this variant may disrupt the consensus splice site, but this prediction has not been confirmed by published transcriptional studies. Donor and acceptor splice site variants typically lead to a loss of protein function (PMID: 16199547), and loss-of-function variants in KCNQ3 are known to be pathogenic (PMID: 29383681, 29852413). In summary, the currently available evidence indicates that the variant is pathogenic, but additional data are needed to prove that conclusively. Therefore, this variant has been classified as Likely Pathogenic.

Literature cited by the submitters: PubMed 16199547 (cited by Labcorp Genetics (formerly Invitae), Labcorp); PubMed 29383681 (cited by Labcorp Genetics (formerly Invitae), Labcorp); PubMed 29852413 (cited by Labcorp Genetics (formerly Invitae), Labcorp).

NM_004519.4(KCNQ3):c.1045-1G>T

Gene: KCNQ3 (potassium voltage-gated channel subfamily Q member 3; minus strand). Cytogenetic location: 8q24.22.
Variant type: single nucleotide variant.
Coding change: c.1045-1G>T on transcript NM_004519.4 (MANE Select); the canonical splice acceptor site of the intron before coding-DNA position 1045, G replaced by T.
Molecular consequence: splice acceptor variant.
Genome position (GRCh38, 1-based): chr8:132,172,694, C>A on the plus strand (G>T on the coding strand, the complement: KCNQ3 is on the minus strand). VCF-style: chr8-132172694-C-A. GRCh37 (hg19) VCF-style: chr8-133184941-C-A.
Other names: c.685-1G>T (NM_001204824.2).
Identifiers: ClinVar variation 853233 (VCV000853233.5), dbSNP rs1826416962, ClinGen allele CA372290029.
Genomic context (GRCh38, chr8:132,172,694, plus strand): 5'-AAAGTGCTTCTGACGGTGTTGCTCCTGCACCTTGAGGGCCAGCCCGGACCCCAGGATGCC[C>A]TGGAGGGAGAGGCAGGCAGGCAGTCAGCCCCCAGCTAGACTGTCCCAGCATTCCCGCTCC-3'